The following is an entry in ClinVar:

NM_001848.3(COL6A1):c.1821T>A (p.Cys607Ter)

Gene: COL6A1 (collagen type VI alpha 1 chain; plus strand). Cytogenetic location: 21q22.3.
Variant type: single nucleotide variant.
Coding change: c.1821T>A on transcript NM_001848.3 (MANE Select); coding-DNA position 1821, T replaced by A.
Protein change: p.Cys607Ter; replaces cysteine 607 with a stop codon.
Molecular consequence: nonsense.
Genome position (GRCh38, 1-based): chr21:46,000,766, T>A. VCF-style: chr21-46000766-T-A. GRCh37 (hg19) VCF-style: chr21-47420680-T-A.
Other names: short protein forms C607*.
Identifiers: ClinVar variation 4990929 (VCV004990929.1).

ClinVar aggregate classification (germline): Likely pathogenic (1 of 4 stars; one submission).

Conditions:
COL6A1-related disorder. Also called: COL6A1-related condition.

Submission:

PreventionGenetics, part of Exact Sciences
Classification: Likely pathogenic for COL6A1-related condition. Last evaluated: 2025-10-20. Review status: criteria provided, single submitter. Criteria: ACMG Guidelines, 2015. Collection method: clinical testing. Allele origin: germline.
Comment: The COL6A1 c.1821T>A variant is predicted to result in premature protein termination (p.Cys607*). To our knowledge, this variant has not been reported in the literature or in a large population database (gnomAD), indicating this variant is rare. Nonsense variants in COL6A1 are expected to be pathogenic. This variant is interpreted as likely pathogenic.